The following is an entry in ClinVar:

NM_020911.2(PLXNA4):c.1550G>A (p.Gly517Asp)

Gene: PLXNA4 (plexin A4; minus strand). Cytogenetic location: 7q32.3.
Variant type: single nucleotide variant.
Coding change: c.1550G>A on transcript NM_020911.2 (MANE Select); coding-DNA position 1550, G replaced by A.
Protein change: p.Gly517Asp; replaces glycine 517 with aspartic acid.
Molecular consequence: missense variant.
Genome position (GRCh38, 1-based): chr7:132,241,120, C>T on the plus strand (G>A on the coding strand, the complement: PLXNA4 is on the minus strand). VCF-style: chr7-132241120-C-T. GRCh37 (hg19) VCF-style: chr7-131925879-C-T.
Other names: c.1550G>A, p.Gly517Asp (NM_001393897.1); short protein forms G517D.
Identifiers: ClinVar variation 3348487 (VCV003348487.1).

ClinVar aggregate classification (germline): Uncertain significance (0 of 4 stars; one submission).

Conditions:
PLXNA4-related disorder. Also called: PLXNA4-related condition.

gnomAD v4.1: 1 of 1,613,346 alleles (0.000062%); highest among the groups gnomAD compares: Non-Finnish European, 0.000085%; no homozygotes.

Submission:

PreventionGenetics, part of Exact Sciences
Classification: Uncertain significance for PLXNA4-related condition. Last evaluated: 2024-03-07. Review status: no assertion criteria provided. Collection method: clinical testing. Allele origin: germline.
Comment: The PLXNA4 c.1550G>A variant is predicted to result in the amino acid substitution p.Gly517Asp. To our knowledge, this variant has not been reported in the literature. This variant is reported in 0.00089% of alleles in individuals of European (Non-Finnish) descent in gnomAD. At this time, the clinical significance of this variant is uncertain due to the absence of conclusive functional and genetic evidence.